The following is an entry in ClinVar:

NM_153252.5(BRWD3):c.2304G>C (p.Lys768Asn)

Gene: BRWD3 (bromodomain and WD repeat domain containing 3; minus strand). Cytogenetic location: Xq21.1.
Variant type: single nucleotide variant.
Coding change: c.2304G>C on transcript NM_153252.5 (MANE Select); coding-DNA position 2304, G replaced by C.
Protein change: p.Lys768Asn; replaces lysine 768 with asparagine.
Molecular consequence: missense variant.
Genome position (GRCh38, 1-based): chrX:80,716,178, C>G on the plus strand (G>C on the coding strand, the complement: BRWD3 is on the minus strand). VCF-style: chrX-80716178-C-G. GRCh37 (hg19) VCF-style: chrX-79971677-C-G.
Other names: short protein forms K768N.
Identifiers: ClinVar variation 1309890 (VCV001309890.3), dbSNP rs1038883551, ClinGen allele CA331111403.

ClinVar aggregate classification (germline): Uncertain significance. Review status: criteria provided, multiple submitters, no conflicts (2 of 4 stars). 2 submissions from 2 submitters: Uncertain significance (2). Last evaluated 2024-11-08.

Submissions (2):

Greenwood Genetic Center Diagnostic Laboratories, Greenwood Genetic Center
Classification: Uncertain significance. Last evaluated: 2024-11-08. Review status: criteria provided, single submitter. Criteria: ACMG Guidelines, 2015. Collection method: clinical testing. Allele origin: germline. Affected: yes.
Comment: PM2, BP4, PP2

GeneDx
Classification: Uncertain significance. Last evaluated: 2019-10-29. Review status: criteria provided, single submitter. Criteria: GeneDx Variant Classification Process June 2021. Collection method: clinical testing. Allele origin: germline. Affected: yes.
Comment: Not observed in large population cohorts (Lek et al., 2016); In silico analysis, which includes protein predictors and evolutionary conservation, supports a deleterious effect; Has not been previously published as pathogenic or benign to our knowledge